The following is an entry in ClinVar:

NM_000288.4(PEX7):c.285G>A (p.Trp95Ter)

Gene: PEX7 (peroxisomal biogenesis factor 7; plus strand). Cytogenetic location: 6q23.3.
Variant type: single nucleotide variant.
Coding change: c.285G>A on transcript NM_000288.4 (MANE Select); coding-DNA position 285, G replaced by A.
Protein change: p.Trp95Ter; replaces tryptophan 95 with a stop codon.
Molecular consequence: nonsense.
Genome position (GRCh38, 1-based): chr6:136,826,415, G>A. VCF-style: chr6-136826415-G-A. GRCh37 (hg19) VCF-style: chr6-137147553-G-A.
Other names: c.171G>A, p.Trp57Ter (NM_001410945.1); short protein forms W57*, W95*.
Identifiers: ClinVar variation 5011358 (VCV005011358.1).

ClinVar aggregate classification (germline): Pathogenic (1 of 4 stars; one submission).

Conditions:
Peroxisome biogenesis disorder. Identifiers: Orphanet 79189, MedGen C1832200, MONDO:0019234. Disease mechanism: loss of function.

gnomAD v4.1: 1 of 1,613,678 alleles (0.000062%); no homozygotes.

Submission:

Myriad Genetics, Inc.
Classification: Pathogenic for Peroxisome biogenesis disorder. Last evaluated: 2023-08-15. Review status: criteria provided, single submitter. Criteria: Myriad Autosomal Dominant, Autosomal Recessive and X-Linked Classification Criteria (2023). Collection method: clinical testing. Allele origin: unknown.
Comment: NM_000288.3(PEX7):c.285G>A(W95*) is expected to be pathogenic in the context of PEX7-related disorders. This variant is predicted to lead to an abnormal or absent protein product due to the creation of a premature termination codon in PEX7, a gene where loss-of-function variants are known to be pathogenic. Please note: this variant was assessed in the context of healthy population screening.